The following is an entry in ClinVar:

ClinVar aggregate classification (germline): Pathogenic (1 of 4 stars; one submission).

Conditions:
Hereditary breast ovarian cancer syndrome. Also called: Hereditary breast and ovarian cancer syndrome; Hereditary breast and ovarian cancer; Hereditary breast and ovarian cancer syndrome (HBOC); Breast and ovarian cancer; Hereditary breast and/or ovarian cancer syndrome; BRCA1- and BRCA2-Associated Hereditary Breast and Ovarian Cancer. Identifiers: Orphanet 145, MedGen C0677776, MeSH D061325, MONDO:0003582. Disease mechanism: loss of function.

Submission:

Laboratory for Molecular Medicine, Mass General Brigham Personalized Medicine
Classification: Pathogenic for Hereditary breast ovarian cancer syndrome. Last evaluated: 2018-04-02. Review status: criteria provided, single submitter. Criteria: ACMG Guidelines, 2015. Collection method: clinical testing. Allele origin: germline. Inheritance: Autosomal dominant inheritance.
Comment: The p.Asn830fs variant in BRCA2 has not been previously reported in individuals with BRCA2-associated cancer and was absent from large population studies. This variant is predicted to cause a frameshift, which alters the protein’s amino acid sequence beginning at position 830 and leads to a premature termination codon 3 amino acids downstream. This alteration is then predicted to lead to a truncated or absent protein. Heterozygous loss of function of the BRCA2 gene is an established disease mechanism in hereditary breast and ovarian cancer syndrome (HBOC). In summary, this variant meets criteria to be classified as pathogenic for HBOC in an autosomal dominant manner based upon absence from controls and its predicted impact on the protein. ACMG/AMP Criteria applied: PVS1; PM2.

NM_000059.4(BRCA2):c.2488_2489insG (p.Asn830fs)

Gene: BRCA2 (BRCA2 DNA repair associated; plus strand). Cytogenetic location: 13q13.1.
Variant type: Insertion.
Coding change: c.2488_2489insG on transcript NM_000059.4 (MANE Select); coding-DNA positions 2488 to 2489, G inserted.
Protein change: p.Asn830fs; shifts the reading frame from asparagine 830.
Molecular consequence: frameshift variant. On other transcripts: non-coding transcript variant (1), intron variant (2).
Genome position: GRCh38 VCF-style: chr13-32336843-A-AG. GRCh37 (hg19) VCF-style: chr13-32910980-A-AG.
Other names: c.2488_2489insG, p.Asn830fs (NM_001406719.1, NM_001406720.1); c.1909+3456_1909+3457insG (NM_001406721.1); c.424+5813_424+5814insG (NM_001406722.1); short protein forms N830fs.
Identifiers: ClinVar variation 3076064 (VCV003076064.1), dbSNP rs2548524088, ClinGen allele CA913188611.
Genomic context (GRCh38, chr13:32,336,843, plus strand): 5'-ACCAAAAATATTCCCATGGAAAAGAATCAAGATGTATGTGCTTTAAATGAAAATTATAAA[A>AG]ACGTTGAGCTGTTGCCACCTGAAAAATACATGAGAGTAGCATCACCTTCAAGAAAGGTAC-3'